The following is an entry in ClinVar:

ClinVar aggregate classification (germline): Pathogenic (1 of 4 stars; one submission).

Conditions:
Wilson disease (WND). Also called: Wilson's disease. Identifiers: Orphanet 905, MedGen C0019202, MONDO:0010200, OMIM 277900. Disease mechanism: loss of function.

Submission:

Natera, Inc.
Classification: Pathogenic for Wilson disease. Last evaluated: 2024-12-09. Review status: criteria provided, single submitter. Criteria: Natera Variant Classification Schema (03/2026). Collection method: clinical testing. Allele origin: germline.
Comment: The c.3412+1del variant in ATP7B is a canonical splice donor site variant predicted to affect pre-mRNA splicing, which may result in an abnormal transcript and altered protein product. This variant is expected to result in nonsense mediated decay, truncation, or a dysfunctional protein product. This variant is rare in the general population with a frequency below the threshold expected for the associated phenotype(s). Another variant at this same site results in an alteration predicted to cause a similar molecular effect has been observed in individual(s) with the associated phenotype. Given the available evidence, this variant is classified as Pathogenic.

NM_000053.4(ATP7B):c.3412+1del

Gene: ATP7B (ATPase copper transporting beta; minus strand). Cytogenetic location: 13q14.3.
Variant type: Deletion.
Coding change: c.3412+1del on transcript NM_000053.4 (MANE Select); the canonical splice donor site of the intron after coding-DNA position 3412, one base deleted (G; older notation c.3412+1delG).
Molecular consequence: splice donor variant.
Genome position (GRCh38, 1-based): chr13:51,942,385, C deleted on the plus strand (G on the coding strand, the reverse complement: ATP7B is on the minus strand); the first of 2 consecutive C bases (chr13:51,942,385-51,942,386); deleting either gives the same sequence. VCF-style (leftmost placement, unchanged base first): chr13-51942384-AC-A. GRCh37 (hg19) VCF-style: chr13-52516520-AC-A.
Other names: c.2926+1del (NM_001406542.1, NM_001406541.1); c.2965+1del (NM_001406540.1); c.3160+1del (NM_001330579.2, NM_001406531.1, NM_001406532.1); c.3124+1del (NM_001406534.1); c.3178+1del (NM_001406538.1, NM_001330578.2, NM_001406527.1 and 1 more transcripts); c.3412+1del (NM_001406526.1, NM_001406511.1, NM_001406512.1); c.3268+1del (NM_001406520.1, NM_001406521.1, NM_001406522.1); c.3082+1del (NM_001406535.1, NM_001406536.1); and 19 more.
Identifiers: ClinVar variation 4815401 (VCV004815401.1).